The following is an entry in ClinVar:

ClinVar aggregate classification (germline): Benign. Review status: criteria provided, multiple submitters, no conflicts (2 of 4 stars). 3 submissions from 3 submitters: Benign (3). Last evaluated 2018-06-23.

Conditions:
Methylmalonic aciduria, cblB type (MACB). Also called: Vitamin B12-responsive methylmalonic acidemia type cblB; METHYLMALONIC ACIDURIA, VITAMIN B12-RESPONSIVE, DUE TO DEFECT IN SYNTHESIS OF ADENOSYLCOBALAMIN, cblB TYPE; Methylmalonic acidemia cblB type. Identifiers: Orphanet 28, Orphanet 79311, MedGen C1855102, MONDO:0009614, OMIM 251110.

Allele frequency attached by ClinVar (database versions not stated): gnomAD 0.10802 and 0.10296; TOPMed 0.11951; 1000 Genomes Project 0.12879; gnomAD exomes 0.03098 and 0.04966; 1000 Genomes Project 30x 0.13148; ExAC 0.03987.

Submissions (3):

GeneDx
Classification: Benign. Last evaluated: 2018-06-23. Review status: criteria provided, single submitter. Criteria: GeneDx Variant Classification Process June 2021. Collection method: clinical testing. Allele origin: germline. Affected: yes.

Illumina Laboratory Services, Illumina
Classification: Benign for Methylmalonic aciduria, cblB type. Last evaluated: 2018-01-13. Review status: criteria provided, single submitter. Criteria: ICSL Variant Classification Criteria 13 December 2019. Collection method: clinical testing. Allele origin: germline.
Comment: This variant was observed in the ICSL laboratory as part of a predisposition screen in an ostensibly healthy population. It had not been previously curated by ICSL or reported in the Human Gene Mutation Database (HGMD: prior to June 1st, 2018), and was therefore a candidate for classification through an automated scoring system. Utilizing variant allele frequency, disease prevalence and penetrance estimates, and inheritance mode, an automated score was calculated to assess if this variant is too frequent to cause the disease. Based on the score and internal cut-off values, a variant classified as benign is not then subjected to further curation. The score for this variant resulted in a classification of benign for this disease.

Breakthrough Genomics
Classification: Benign. Review status: criteria provided, single submitter. Criteria: ACMG Guidelines, 2015. Collection method: not provided. Allele origin: germline. Inheritance: Autosomal recessive inheritance. Affected: yes.

NM_052845.4(MMAB):c.*192T>C

Gene: MMAB (metabolism of cobalamin associated B; minus strand). Cytogenetic location: 12q24.11.
Variant type: single nucleotide variant.
Coding change: c.*192T>C on transcript NM_052845.4 (MANE Select); 192 bases downstream of the stop codon, T replaced by C.
Molecular consequence: 3 prime UTR variant. On other transcripts: non-coding transcript variant (1).
Genome position (GRCh38, 1-based): chr12:109,556,836, A>G on the plus strand (T>C on the coding strand, the complement: MMAB is on the minus strand). VCF-style: chr12-109556836-A-G. GRCh37 (hg19) VCF-style: chr12-109994641-A-G.
Identifiers: ClinVar variation 307074 (VCV000307074.9), dbSNP rs8228, ClinGen allele CA6778719.
Genomic context (GRCh38, chr12:109,556,836, plus strand): 5'-TGCCAATTCATTCCCACATCCCTCCAAGACCCAGGAGAGCTTGGGGAAGCAGGGTCAGGG[A>G]CAGAATCCCCAAAGGGTCACAGTCCCTTGAGGAAGGTGGCAAGAGGTGTAGATCAAAGCT-3'